The following is an entry in ClinVar:

ClinVar aggregate classification (germline): Conflicting classifications of pathogenicity. Review status: criteria provided, conflicting classifications (1 of 4 stars). 2 submissions from 2 submitters: Uncertain significance (1); Likely benign (1). Last evaluated 2025-09-03.

Conditions:
Hereditary cancer. Identifiers: MedGen C1333600.
Fanconi anemia complementation group O. Also called: RAD51C-Related Fanconi Anemia. Identifiers: Orphanet 84, MedGen C3150653, MONDO:0013248, OMIM 613390.

Submissions (2):

Labcorp Genetics (formerly Invitae), Labcorp
Classification: Uncertain significance for Fanconi anemia complementation group O. Last evaluated: 2025-09-03. Review status: criteria provided, single submitter. Criteria: Invitae Variant Classification Sherloc (09022015). Collection method: clinical testing. Allele origin: germline.
Comment: This sequence change replaces glutamic acid, which is acidic and polar, with valine, which is neutral and non-polar, at codon 9 of the RAD51C protein (p.Glu9Val). This variant is not present in population databases (gnomAD no frequency). This variant has not been reported in the literature in individuals affected with RAD51C-related conditions. ClinVar contains an entry for this variant (Variation ID: 1063332). An algorithm developed to predict the effect of missense changes on protein structure and function (PolyPhen-2) suggests that this variant is likely to be tolerated. In summary, the available evidence is currently insufficient to determine the role of this variant in disease. Therefore, it has been classified as a Variant of Uncertain Significance.

Mendelics
Classification: Likely benign for Hereditary cancer. Last evaluated: 2024-09-11. Review status: criteria provided, single submitter. Criteria: ACMG Guidelines, 2015. Collection method: clinical testing. Allele origin: unknown.
Comment: This variant is considered likely benign or benign based on one or more of the following: it is predicted to be benign by multiple in silico algorithms, and/or has population frequency not consistent with disease, and/or has normal protein function, and/or has lack of segregation with disease, and/or has been detected in co-occurrence with known pathogenic variant, and/or has lack of disease association in case-control studies, and/or is located in a region inconsistent with a known cause of pathogenicity.

NM_058216.3(RAD51C):c.26A>T (p.Glu9Val)

Gene: RAD51C (RAD51 paralog C; plus strand). Cytogenetic location: 17q22.
Variant type: single nucleotide variant.
Coding change: c.26A>T on transcript NM_058216.3 (MANE Select); coding-DNA position 26, A replaced by T.
Protein change: p.Glu9Val; replaces glutamic acid 9 with valine.
Molecular consequence: missense variant. On other transcripts: non-coding transcript variant (2).
Genome position (GRCh38, 1-based): chr17:58,692,669, A>T. VCF-style: chr17-58692669-A-T. GRCh37 (hg19) VCF-style: chr17-56770030-A-T.
Other names: c.26A>T, p.Glu9Val (NM_002876.4); short protein forms E9V.
Identifiers: ClinVar variation 1063332 (VCV001063332.10), dbSNP rs2143673258, ClinGen allele CA400336345.
Genomic context (GRCh38, chr17:58,692,669, plus strand): 5'-GTTTGGCTGCTCCGGGGTTAGCAGGTGAGCCTGCGATGCGCGGGAAGACGTTCCGCTTTG[A>T]AATGCAGCGGGATTTGGTGAGTTTCCCGCTGTCTCCAGCGGTGCGGGTGAAGCTGGTGTC-3'
Protein context (NP_478123.1, residues 1-19): MRGKTFRF[Glu9Val]MQRDLVSFPL